The following is an entry in ClinVar:

ClinVar aggregate classification (germline): Pathogenic (0 of 4 stars; one submission).

Conditions:
Deficiency of ferroxidase (ACEP). Also called: Deficiency of ceruloplasmin; Aceruloplasminemia; Ceruloplasmin deficiency; Familial apoceruloplasmin deficiency; Hereditary ceruloplasmin deficiency; NEURODEGENERATION WITH BRAIN IRON ACCUMULATION 10. Identifiers: Orphanet 48818, MedGen C0878682, MONDO:0011426, OMIM 604290, HP:0025498.

Submission:

GeneReviews
Classification: Pathogenic for Aceruloplasminemia. Last evaluated: 2013-04-18. Review status: no assertion criteria provided. Collection method: curation. Allele origin: unknown.
ClinVar note: Converted during submission from pathologic to Pathogenic.

NM_000096.4(CP):c.493C>G (p.Gln165Glu)

Gene: CP (ceruloplasmin; minus strand). Cytogenetic location: 3q25.1.
Variant type: single nucleotide variant.
Coding change: c.493C>G on transcript NM_000096.4 (MANE Select); coding-DNA position 493, C replaced by G.
Protein change: p.Gln165Glu; replaces glutamine 165 with glutamic acid.
Molecular consequence: missense variant. On other transcripts: non-coding transcript variant (1).
Genome position (GRCh38, 1-based): chr3:149,210,281, G>C on the plus strand (C>G on the coding strand, the complement: CP is on the minus strand). VCF-style: chr3-149210281-G-C. GRCh37 (hg19) VCF-style: chr3-148928068-G-C.
Other names: Q146E; short protein forms Q165E.
Identifiers: ClinVar variation 42120 (VCV000042120.3), dbSNP rs386134122, ClinGen allele CA344570.
Genomic context (GRCh38, chr3:149,210,281, plus strand): 5'-CATCAATGTGGGAATGGTAAATCCTAGTCACACAATTGCCATCTCCTTCCCCAGGACTTT[G>C]TTCTTCAGTGGCAAGCAACATGTATGTATACTGCTCTCCTGGATATACTTTGTCATCTGC-3'
Protein context (NP_000087.2, residues 155-175): YTYMLLATEE[Gln165Glu]SPGEGDGNCV